The following is an entry in ClinVar:

NM_005850.5(SF3B4):c.1216C>T (p.Pro406Ser)

Gene: SF3B4 (splicing factor 3b subunit 4; minus strand). Cytogenetic location: 1q21.2.
Variant type: single nucleotide variant.
Coding change: c.1216C>T on transcript NM_005850.5 (MANE Select); coding-DNA position 1216, C replaced by T.
Protein change: p.Pro406Ser; replaces proline 406 with serine.
Molecular consequence: missense variant.
Genome position (GRCh38, 1-based): chr1:149,923,601, G>A on the plus strand (C>T on the coding strand, the complement: SF3B4 is on the minus strand). VCF-style: chr1-149923601-G-A. GRCh37 (hg19) VCF-style: chr1-149895493-G-A.
Other names: short protein forms P406S.
Identifiers: ClinVar variation 3160834 (VCV003160834.2), dbSNP rs373584438, ClinGen allele CA1071353.
Genomic context (GRCh38, chr1:149,923,601, plus strand): 5'-TTTACTGAGGGAGAGGGCCTCGAAGTGGGCCTCGAGGGGGAACTGGTGGCCGGGGAGTGG[G>A]TCTGGGTGGAGGGAGAGGCCCCCGCTGGTAGCCATAGGGTGGGGGTCGTGGAGGGCCAGT-3'
Protein context (NP_005841.1, residues 396-416): YQRGPLPPPR[Pro406Ser]TPRPPVPPRG

ClinVar aggregate classification (germline): Uncertain significance. Review status: criteria provided, multiple submitters, no conflicts (2 of 4 stars). 2 submissions from 2 submitters: Uncertain significance (2). Last evaluated 2024-01-01.

Conditions:
Nager syndrome (AFD1). Also called: Nager acrofacial dysostosis; Nager acrofacial dysostosis syndrome; Acrofacial Dysostosis 1, Nager Type; MANDIBULOFACIAL DYSOSTOSIS, TREACHER COLLINS TYPE, WITH LIMB ANOMALIES. Identifiers: Orphanet 245, MedGen C0265245, MONDO:0007943, OMIM 154400.
Inborn genetic diseases. Identifiers: MedGen C0950123, MeSH D030342.

Allele frequency attached by ClinVar (database versions not stated): ExAC 0.00002; TOPMed 0.00003; gnomAD 0.00004; ESP Exome Variant Server 0.00023.

Submissions (2):

Daryl Scott Lab, Baylor College of Medicine
Classification: Uncertain significance for Nager syndrome. Last evaluated: 2024-01-01. Review status: criteria provided, single submitter. Criteria: ACMG Guidelines, 2015. Collection method: clinical testing. Allele origin: paternal. Observed: 1 heterozygote.
Comment: No criteria met

Ambry Genetics
Classification: Uncertain significance for Inborn genetic diseases. Last evaluated: 2023-12-26. Review status: criteria provided, single submitter. Criteria: Ambry Variant Classification Scheme 2023. Collection method: clinical testing. Allele origin: germline.